The following is an entry in ClinVar:

NM_020436.5(SALL4):c.339A>G (p.Glu113=)

Gene: SALL4 (spalt like transcription factor 4; minus strand). Cytogenetic location: 20q13.2.
Variant type: single nucleotide variant.
Coding change: c.339A>G on transcript NM_020436.5 (MANE Select); coding-DNA position 339, A replaced by G.
Protein change: p.Glu113=; no amino-acid change (glutamic acid 113 retained).
Molecular consequence: synonymous variant.
Genome position (GRCh38, 1-based): chr20:51,792,144, T>C on the plus strand (A>G on the coding strand, the complement: SALL4 is on the minus strand). VCF-style: chr20-51792144-T-C. GRCh37 (hg19) VCF-style: chr20-50408683-T-C.
Other names: c.339A>G, p.Glu113= (NM_001318031.2); c.339A>G (NM_020436.4).
Identifiers: ClinVar variation 2040040 (VCV002040040.7), dbSNP rs73911279, ClinGen allele CA9912482.
Genomic context (GRCh38, chr20:51,792,144, plus strand): 5'-GTGACAGTCCTTACTGCCGGGACTGGTGGGCTGGTGGCTCAGTACAGCTCCGGAGAAGTC[T>C]TCTGAAGGCACAGGCCCCTCGCTGTCATTCATGATGAGGACAGGTGGATTTTTAGTGCAA-3'
Protein context (NP_065169.1, residues 103-123): MNDSEGPVPS[Glu113=]DFSGAVLSHQ

ClinVar aggregate classification (germline): Benign/Likely benign. Review status: criteria provided, multiple submitters, no conflicts (2 of 4 stars). 3 submissions from 3 submitters: Benign (1); Likely benign (1). 1 of the submissions does not count toward it. Last evaluated 2026-01-14.

Conditions:
Duane-radial ray syndrome (DRRS). Also called: Okihiro Syndrome; Duane-Radial Ray Syndrome (DRRS) / Okihiro Syndrome; ACRORENOOCULAR SYNDROME; DR SYNDROME; DUANE ANOMALY WITH RADIAL RAY ABNORMALITIES AND DEAFNESS; Duane-Radial Ray Syndrome/Okihiro Syndrome. Identifiers: Orphanet 93293, Orphanet 959, MedGen C1623209, MONDO:0011812, OMIM 607323. Disease mechanism: gain of function.
SALL4-Related Disorders. Also called: SALL4-related condition; SALL4-related disorder. Identifiers: MedGen CN381056.

Allele frequency attached by ClinVar (database versions not stated): gnomAD exomes 0.00005; ExAC 0.00010; gnomAD 0.00045; TOPMed 0.00045; ESP Exome Variant Server 0.00054; 1000 Genomes Project 0.00060; 1000 Genomes Project 30x 0.00062.
gnomAD v4.1: 148 of 1,614,202 alleles (0.0092%); highest among the groups gnomAD compares: African/African-American, 0.15%; no homozygotes.

Submissions (3):

Labcorp Genetics (formerly Invitae), Labcorp
Classification: Benign for Duane-radial ray syndrome. Last evaluated: 2026-01-14. Review status: criteria provided, single submitter. Criteria: Invitae Variant Classification Sherloc (09022015). Collection method: clinical testing. Allele origin: germline.

Blueprint Genetics
Classification: Likely benign. Last evaluated: 2024-05-29. Review status: criteria provided, single submitter. Criteria: ACMG Guidelines, 2015. Collection method: clinical testing. Allele origin: germline.

PreventionGenetics, part of Exact Sciences
Classification: Likely benign for SALL4-related condition. Last evaluated: 2022-03-16. Review status: no assertion criteria provided. Collection method: clinical testing. Allele origin: germline. Not counted in ClinVar's aggregate classification.
Comment: This variant is classified as likely benign based on ACMG/AMP sequence variant interpretation guidelines (Richards et al. 2015 PMID: 25741868, with internal and published modifications).